The following is an entry in ClinVar:

NM_001271938.2(MEGF8):c.3577C>T (p.Arg1193Ter)

Gene: MEGF8 (multiple EGF like domains 8; plus strand). Cytogenetic location: 19q13.2.
Variant type: single nucleotide variant.
Coding change: c.3577C>T on transcript NM_001271938.2 (MANE Select); coding-DNA position 3577, C replaced by T.
Protein change: p.Arg1193Ter; replaces arginine 1193 with a stop codon.
Molecular consequence: nonsense.
Genome position (GRCh38, 1-based): chr19:42,353,491, C>T. VCF-style: chr19-42353491-C-T. GRCh37 (hg19) VCF-style: chr19-42857643-C-T.
Other names: c.3376C>T, p.Arg1126Ter (NM_001410.3); short protein forms R1126*, R1193*.
Identifiers: ClinVar variation 2081222 (VCV002081222.4), dbSNP rs758179285, ClinGen allele CA406107844.

ClinVar aggregate classification (germline): Pathogenic (1 of 4 stars; one submission).

Conditions:
MEGF8-related Carpenter syndrome. Also called: Carpenter syndrome 2. Identifiers: Orphanet 65759, MedGen C3554247, MONDO:0013998, OMIM 614976.

gnomAD v4.1: 7 of 1,610,824 alleles (0.00043%); highest among the groups gnomAD compares: Non-Finnish European, 0.00059%; no homozygotes.

Submission:

Labcorp Genetics (formerly Invitae), Labcorp
Classification: Pathogenic for MEGF8-related Carpenter syndrome. Last evaluated: 2022-01-12. Review status: criteria provided, single submitter. Criteria: Invitae Variant Classification Sherloc (09022015). Collection method: clinical testing. Allele origin: germline.
Comment: For these reasons, this variant has been classified as Pathogenic. This variant has not been reported in the literature in individuals affected with MEGF8-related conditions. This variant is not present in population databases (gnomAD no frequency). This sequence change creates a premature translational stop signal (p.Arg1126*) in the MEGF8 gene. It is expected to result in an absent or disrupted protein product. Loss-of-function variants in MEGF8 are known to be pathogenic (PMID: 23063620).

Literature cited by the submitters: PubMed 23063620.